The following is an entry in ClinVar:

ClinVar aggregate classification (germline): Uncertain significance (1 of 4 stars; one submission).

Allele frequency attached by ClinVar (database versions not stated): gnomAD exomes 0.00001; TOPMed 0.00002; gnomAD 0.00003.
gnomAD v4.1: 12 of 1,551,934 alleles (0.00077%); highest among the groups gnomAD compares: Middle Eastern, 0.05%; no homozygotes.

Submission:

Labcorp Genetics (formerly Invitae), Labcorp
Classification: Uncertain significance. Last evaluated: 2022-10-12. Review status: criteria provided, single submitter. Criteria: Invitae Variant Classification Sherloc (09022015). Collection method: clinical testing. Allele origin: germline.
Comment: This sequence change replaces proline, which is neutral and non-polar, with leucine, which is neutral and non-polar, at codon 1697 of the UNC80 protein (p.Pro1697Leu). This variant is present in population databases (rs755699537, gnomAD 0.007%). This missense change has been observed in individual(s) with neurodevelopmental disorder (PMID: 28191889). Advanced modeling of protein sequence and biophysical properties (such as structural, functional, and spatial information, amino acid conservation, physicochemical variation, residue mobility, and thermodynamic stability) performed at Invitae indicates that this missense variant is not expected to disrupt UNC80 protein function. In summary, the available evidence is currently insufficient to determine the role of this variant in disease. Therefore, it has been classified as a Variant of Uncertain Significance.

Literature cited by the submitters: PubMed 28191889.

NM_001371986.1(UNC80):c.5288C>T (p.Pro1763Leu)

Genes: UNC80 (unc-80 homolog, NALCN channel complex subunit; plus strand), LOC126806490 (P300/CBP strongly-dependent group 1 enhancer GRCh37_chr2:210782411-210783610; plus strand). Cytogenetic location: 2q34.
Variant type: single nucleotide variant.
Coding change: c.5288C>T on transcript NM_001371986.1 (MANE Select); coding-DNA position 5288, C replaced by T.
Protein change: p.Pro1763Leu; replaces proline 1763 with leucine.
Molecular consequence: missense variant.
Genome position (GRCh38, 1-based): chr2:209,918,608, C>T. VCF-style: chr2-209918608-C-T. GRCh37 (hg19) VCF-style: chr2-210783332-C-T.
Other names: c.5090C>T, p.Pro1697Leu (NM_032504.2); c.5075C>T, p.Pro1692Leu (NM_182587.4); short protein forms P1692L, P1697L, P1763L.
Identifiers: ClinVar variation 2152957 (VCV002152957.1), dbSNP rs755699537, ClinGen allele CA65040252.